The following is an entry in ClinVar:

NM_012123.4(MTO1):c.346C>T (p.Arg116Trp)

Gene: MTO1 (mitochondrial tRNA translation optimization 1; plus strand). Cytogenetic location: 6q13.
Variant type: single nucleotide variant.
Coding change: c.346C>T on transcript NM_012123.4 (MANE Select); coding-DNA position 346, C replaced by T.
Protein change: p.Arg116Trp; replaces arginine 116 with tryptophan.
Molecular consequence: missense variant.
Genome position (GRCh38, 1-based): chr6:73,466,337, C>T. VCF-style: chr6-73466337-C-T. GRCh37 (hg19) VCF-style: chr6-74176060-C-T.
Other names: c.346C>T, p.Arg116Trp (NM_133645.3, NM_001123226.2); c.346C>T (NM_001123226.1); short protein forms R116W.
Identifiers: ClinVar variation 1392366 (VCV001392366.6), dbSNP rs770260720, ClinGen allele CA3889318.

ClinVar aggregate classification (germline): Uncertain significance. Review status: criteria provided, multiple submitters, no conflicts (2 of 4 stars). 3 submissions from 3 submitters: Uncertain significance (3). Last evaluated 2025-06-18.

Conditions:
Inborn genetic diseases. Identifiers: MedGen C0950123, MeSH D030342.
Mitochondrial hypertrophic cardiomyopathy with lactic acidosis due to MTO1 deficiency. Also called: Combined oxidative phosphorylation deficiency 10; CARDIOMYOPATHY, INFANTILE HYPERTROPHIC MITOCHONDRIAL, AND LACTIC ACIDOSIS. Identifiers: Orphanet 314637, MedGen C4749921, MONDO:0013865, OMIM 614702.

Allele frequency attached by ClinVar (database versions not stated): gnomAD 0.00001 and 0.00002; TOPMed 0.00001; gnomAD exomes 0.00002 and 0.00003; ExAC 0.00003.
gnomAD v4.1: 39 of 1,613,896 alleles (0.0024%); highest among the groups gnomAD compares: Middle Eastern, 0.049%; no homozygotes.

Submissions (3):

Ambry Genetics
Classification: Uncertain significance for Inborn genetic diseases. Last evaluated: 2025-06-18. Review status: criteria provided, single submitter. Criteria: Ambry Variant Classification Scheme 2023. Collection method: clinical testing. Allele origin: germline.

Blueprint Genetics
Classification: Uncertain significance. Last evaluated: 2024-07-17. Review status: criteria provided, single submitter. Criteria: ACMG Guidelines, 2015. Collection method: clinical testing. Allele origin: germline.

Labcorp Genetics (formerly Invitae), Labcorp
Classification: Uncertain significance for Mitochondrial hypertrophic cardiomyopathy with lactic acidosis due to MTO1 deficiency. Last evaluated: 2023-08-04. Review status: criteria provided, single submitter. Criteria: Invitae Variant Classification Sherloc (09022015). Collection method: clinical testing. Allele origin: germline.
Comment: This variant is present in population databases (rs770260720, gnomAD 0.008%). This sequence change replaces arginine, which is basic and polar, with tryptophan, which is neutral and slightly polar, at codon 116 of the MTO1 protein (p.Arg116Trp). This variant has not been reported in the literature in individuals affected with MTO1-related conditions. In summary, the available evidence is currently insufficient to determine the role of this variant in disease. Therefore, it has been classified as a Variant of Uncertain Significance. Advanced modeling of protein sequence and biophysical properties (such as structural, functional, and spatial information, amino acid conservation, physicochemical variation, residue mobility, and thermodynamic stability) has been performed at Invitae for this missense variant, however the output from this modeling did not meet the statistical confidence thresholds required to predict the impact of this variant on MTO1 protein function. ClinVar contains an entry for this variant (Variation ID: 1392366).